The following is an entry in ClinVar:

NM_001170629.2(CHD8):c.6899G>A (p.Cys2300Tyr)

Genes: CHD8 (chromodomain helicase DNA binding protein 8; minus strand), LOC126861888 (CDK7 strongly-dependent group 2 enhancer GRCh37_chr14:21859227-21860426; plus strand). Cytogenetic location: 14q11.2.
Variant type: single nucleotide variant.
Coding change: c.6899G>A on transcript NM_001170629.2 (MANE Select); coding-DNA position 6899, G replaced by A.
Protein change: p.Cys2300Tyr; replaces cysteine 2300 with tyrosine.
Molecular consequence: missense variant.
Genome position (GRCh38, 1-based): chr14:21,391,629, C>T on the plus strand (G>A on the coding strand, the complement: CHD8 is on the minus strand). VCF-style: chr14-21391629-C-T. GRCh37 (hg19) VCF-style: chr14-21859788-C-T.
Other names: c.6062G>A, p.Cys2021Tyr (NM_020920.4); c.6899G>A (NM_001170629.1); short protein forms C2021Y, C2300Y.
Identifiers: ClinVar variation 1370414 (VCV001370414.7), dbSNP rs1260335403, ClinGen allele CA388877344.

ClinVar aggregate classification (germline): Uncertain significance. Review status: criteria provided, multiple submitters, no conflicts (2 of 4 stars). 2 submissions from 2 submitters: Uncertain significance (2). Last evaluated 2025-11-26.

Conditions:
Inborn genetic diseases. Identifiers: MedGen C0950123, MeSH D030342.

Allele frequency attached by ClinVar (database versions not stated): gnomAD exomes below 0.00001.
gnomAD v4.1: 1 of 1,589,706 alleles (0.000063%); highest among the groups gnomAD compares: South Asian, 0.0011%; no homozygotes.

Submissions (2):

Ambry Genetics
Classification: Uncertain significance for Inborn genetic diseases. Last evaluated: 2025-11-26. Review status: criteria provided, single submitter. Criteria: Ambry Variant Classification Scheme 2023. Collection method: clinical testing. Allele origin: germline.
Comment: The c.6899G>A (p.C2300Y) alteration is located in exon 35 (coding exon 35) of the CHD8 gene. This alteration results from a G to A substitution at nucleotide position 6899, causing the cysteine (C) at amino acid position 2300 to be replaced by a tyrosine (Y). Based on data from gnomAD, the A allele has an overall frequency of <0.001% (1/230804) total alleles studied. The highest observed frequency was 0.004% (1/26420) of South Asian alleles. Based on insufficient or conflicting evidence, the clinical significance of this alteration remains unclear.

Labcorp Genetics (formerly Invitae), Labcorp
Classification: Uncertain significance. Last evaluated: 2021-07-27. Review status: criteria provided, single submitter. Criteria: Invitae Variant Classification Sherloc (09022015). Collection method: clinical testing. Allele origin: germline.
Comment: In summary, the available evidence is currently insufficient to determine the role of this variant in disease. Therefore, it has been classified as a Variant of Uncertain Significance. This sequence change replaces cysteine with tyrosine at codon 2300 of the CHD8 protein (p.Cys2300Tyr). The cysteine residue is weakly conserved and there is a large physicochemical difference between cysteine and tyrosine. This variant is not present in population databases (ExAC no frequency). This variant has not been reported in the literature in individuals affected with CHD8-related conditions. Algorithms developed to predict the effect of missense changes on protein structure and function (SIFT, PolyPhen-2, Align-GVGD) all suggest that this variant is likely to be tolerated.